The following is an entry in ClinVar:

NM_024675.4(PALB2):c.1280del (p.Ala427fs)

Gene: PALB2 (partner and localizer of BRCA2; minus strand). Cytogenetic location: 16p12.2.
Variant type: Deletion.
Coding change: c.1280del on transcript NM_024675.4 (MANE Select); coding-DNA position 1280, one base deleted (C; older notation c.1280delC).
Protein change: p.Ala427fs; shifts the reading frame from alanine 427.
Molecular consequence: frameshift variant. On other transcripts: intron variant (3).
Genome position (GRCh38, 1-based): chr16:23,635,266, G deleted on the plus strand (C on the coding strand, the reverse complement: PALB2 is on the minus strand). VCF-style (leftmost placement, unchanged base first): chr16-23635265-AG-A. GRCh37 (hg19) VCF-style: chr16-23646586-AG-A.
Other names: c.1220del, p.Ala407fs (NM_001407296.1); c.1280del, p.Ala427fs (NM_001407297.1, NM_001407298.1, NM_001407299.1 and 3 more transcripts); c.395del, p.Ala132fs (NM_001407304.1, NM_001407305.1, NM_001407306.1 and 5 more transcripts); c.48+5844del (NM_001407314.1); c.-104-4797del (NM_001407313.1, NM_001407312.1); short protein forms A132fs, A407fs, A427fs.
Identifiers: ClinVar variation 4071372 (VCV004071372.1).

ClinVar aggregate classification (germline): Pathogenic (1 of 4 stars; one submission).

Conditions:
Familial cancer of breast. Also called: hereditary breast carcinoma; BREAST CANCER, FAMILIAL; Hereditary breast cancer. Identifiers: Orphanet 227535, MedGen C0346153, MONDO:0016419, OMIM 114480. Disease mechanism: loss of function.

Submission:

Myriad Genetics, Inc.
Classification: Pathogenic for Familial cancer of breast. Last evaluated: 2025-04-16. Review status: criteria provided, single submitter. Criteria: Myriad Autosomal Dominant, Autosomal Recessive and X-Linked Classification Criteria (2023). Collection method: clinical testing. Allele origin: unknown.
Comment: This variant is considered pathogenic. This variant creates a frameshift predicted to result in premature protein truncation.